The following is an entry in ClinVar:

NM_017617.5(NOTCH1):c.7030C>T (p.His2344Tyr)

Gene: NOTCH1 (notch receptor 1; minus strand). Cytogenetic location: 9q34.3.
Variant type: single nucleotide variant.
Coding change: c.7030C>T on transcript NM_017617.5 (MANE Select); coding-DNA position 7030, C replaced by T.
Protein change: p.His2344Tyr; replaces histidine 2344 with tyrosine.
Molecular consequence: missense variant.
Genome position (GRCh38, 1-based): chr9:136,496,709, G>A on the plus strand (C>T on the coding strand, the complement: NOTCH1 is on the minus strand). VCF-style: chr9-136496709-G-A. GRCh37 (hg19) VCF-style: chr9-139391161-G-A.
Other names: short protein forms H2344Y.
Identifiers: ClinVar variation 1756795 (VCV001756795.3), dbSNP rs2540421249, ClinGen allele CA375629191.

ClinVar aggregate classification (germline): Uncertain significance. Review status: criteria provided, multiple submitters, no conflicts (2 of 4 stars). 2 submissions from 2 submitters: Uncertain significance (2). Last evaluated 2025-06-30.

Conditions:
Familial thoracic aortic aneurysm and aortic dissection (TAAD). Also called: Thoracic aortic aneurysms and dissections. Identifiers: Orphanet 91387, MedGen C4707243, MONDO:0019625.

Allele frequency attached by ClinVar (database versions not stated): gnomAD exomes below 0.00001.
gnomAD v4.1: 1 of 1,612,874 alleles (0.000062%); highest among the groups gnomAD compares: South Asian, 0.0011%; no homozygotes.

Submissions (2):

GeneDx
Classification: Uncertain significance. Last evaluated: 2025-06-30. Review status: criteria provided, single submitter. Criteria: GeneDx Variant Classification Process June 2021. Collection method: clinical testing. Allele origin: germline. Affected: yes.
Comment: Not observed at significant frequency in large population cohorts (gnomAD); In silico analysis suggests that this missense variant does not alter protein structure/function; Has not been previously published as pathogenic or benign to our knowledge

Ambry Genetics
Classification: Uncertain significance for Familial thoracic aortic aneurysm and aortic dissection. Last evaluated: 2019-11-01. Review status: criteria provided, single submitter. Criteria: Ambry Variant Classification Scheme 2023. Collection method: clinical testing. Allele origin: germline.
Comment: The p.H2344Y variant (also known as c.7030C>T), located in coding exon 34 of the NOTCH1 gene, results from a C to T substitution at nucleotide position 7030. The histidine at codon 2344 is replaced by tyrosine, an amino acid with similar properties. This amino acid position is well conserved in available vertebrate species. In addition, the in silico prediction for this alteration is inconclusive. Since supporting evidence is limited at this time, the clinical significance of this alteration remains unclear.